The following is an entry in ClinVar:

ClinVar aggregate classification (germline): Uncertain significance (1 of 4 stars; one submission).

Submission:

Labcorp Genetics (formerly Invitae), Labcorp
Classification: Uncertain significance. Last evaluated: 2024-05-06. Review status: criteria provided, single submitter. Criteria: Invitae Variant Classification Sherloc (09022015). Collection method: clinical testing. Allele origin: germline.
Comment: This sequence change affects codon 157 of the THBD mRNA. It is a 'silent' change, meaning that it does not change the encoded amino acid sequence of the THBD protein. This variant is not present in population databases (gnomAD no frequency). This variant has not been reported in the literature in individuals affected with THBD-related conditions. In summary, the available evidence is currently insufficient to determine the role of this variant in disease. Therefore, it has been classified as a Variant of Uncertain Significance.

NM_000361.3(THBD):c.471G>A (p.Gln157=)

Gene: THBD (thrombomodulin; minus strand). Cytogenetic location: 20p11.21.
Variant type: single nucleotide variant.
Coding change: c.471G>A on transcript NM_000361.3 (MANE Select); coding-DNA position 471, G replaced by A.
Protein change: p.Gln157=; no amino-acid change (glutamine 157 retained).
Molecular consequence: synonymous variant.
Genome position (GRCh38, 1-based): chr20:23,049,034, C>T on the plus strand (G>A on the coding strand, the complement: THBD is on the minus strand). VCF-style: chr20-23049034-C-T. GRCh37 (hg19) VCF-style: chr20-23029671-C-T.
Identifiers: ClinVar variation 3683003 (VCV003683003.2).